The following is an entry in ClinVar:

NM_000170.3(GLDC):c.1051del (p.Gly350_Val351insTer)

Gene: GLDC (glycine decarboxylase; minus strand). Cytogenetic location: 9p24.1.
Variant type: Deletion.
Coding change: c.1051del on transcript NM_000170.3 (MANE Select); coding-DNA position 1051, one base deleted (G; older notation c.1051delG).
Protein change: p.Gly350_Val351insTer.
Molecular consequence: nonsense.
Genome position (GRCh38, 1-based): chr9:6,604,595, C deleted on the plus strand (G on the coding strand, the reverse complement: GLDC is on the minus strand); the first of 5 consecutive C bases (chr9:6,604,595-6,604,599); deleting any one gives the same sequence. VCF-style (leftmost placement, unchanged base first): chr9-6604594-AC-A. GRCh37 (hg19) VCF-style: chr9-6604594-AC-A.
Identifiers: ClinVar variation 1458924 (VCV001458924.6), dbSNP rs2129895643, ClinGen allele CA2573144496.

ClinVar aggregate classification (germline): Pathogenic (1 of 4 stars; one submission).

Conditions:
Glycine encephalopathy. Also called: Non-ketotic hyperglycinemia; Nonketotic hyperglycinemia. Identifiers: Orphanet 407, MedGen C0751748, MONDO:0011612, HP:0008288.

Submission:

Labcorp Genetics (formerly Invitae), Labcorp
Classification: Pathogenic for Glycine encephalopathy. Last evaluated: 2022-06-13. Review status: criteria provided, single submitter. Criteria: Invitae Variant Classification Sherloc (09022015). Collection method: clinical testing. Allele origin: germline.
Comment: For these reasons, this variant has been classified as Pathogenic. Algorithms developed to predict the effect of sequence changes on RNA splicing suggest that this variant may create or strengthen a splice site. This premature translational stop signal has been observed in individual(s) with glycine encephalopathy (PMID: 27362913). In at least one individual the data is consistent with being in trans (on the opposite chromosome) from a pathogenic variant. This variant is not present in population databases (gnomAD no frequency). This sequence change creates a premature translational stop signal (p.Val351*) in the GLDC gene. It is expected to result in an absent or disrupted protein product. Loss-of-function variants in GLDC are known to be pathogenic (PMID: 16601880).

Literature cited by the submitters: PubMed 27362913; PubMed 16601880.